The following is an entry in ClinVar:

ClinVar aggregate classification (germline): Uncertain significance (1 of 4 stars; one submission).

Conditions:
Familial adenomatous polyposis 1 (FAP1). Also called: POLYPOSIS, ADENOMATOUS INTESTINAL; FAMILIAL ADENOMATOUS POLYPOSIS 1, ATTENUATED. Identifiers: MedGen C2713442, MONDO:0021056, OMIM 175100. Disease mechanism: loss of function.

Submission:

Labcorp Genetics (formerly Invitae), Labcorp
Classification: Uncertain significance for Familial adenomatous polyposis 1. Last evaluated: 2024-08-18. Review status: criteria provided, single submitter. Criteria: Invitae Variant Classification Sherloc (09022015). Collection method: clinical testing. Allele origin: germline.
Comment: This sequence change replaces lysine, which is basic and polar, with asparagine, which is neutral and polar, at codon 782 of the APC protein (p.Lys782Asn). This variant is not present in population databases (gnomAD no frequency). This variant has not been reported in the literature in individuals affected with APC-related conditions. Invitae Evidence Modeling of protein sequence and biophysical properties (such as structural, functional, and spatial information, amino acid conservation, physicochemical variation, residue mobility, and thermodynamic stability) indicates that this missense variant is not expected to disrupt APC protein function with a negative predictive value of 95%. In summary, the available evidence is currently insufficient to determine the role of this variant in disease. Therefore, it has been classified as a Variant of Uncertain Significance.

NM_000038.6(APC):c.2346G>T (p.Lys782Asn)

Gene: APC (APC regulator of Wnt signaling pathway; plus strand). Cytogenetic location: 5q22.2.
Variant type: single nucleotide variant.
Coding change: c.2346G>T on transcript NM_000038.6 (MANE Select); coding-DNA position 2346, G replaced by T.
Protein change: p.Lys782Asn; replaces lysine 782 with asparagine.
Molecular consequence: missense variant. On other transcripts: non-coding transcript variant (2).
Genome position (GRCh38, 1-based): chr5:112,837,940, G>T. VCF-style: chr5-112837940-G-T. GRCh37 (hg19) VCF-style: chr5-112173637-G-T.
Other names: c.2346G>T, p.Lys782Asn (NM_001127510.3, NM_001354895.2, NM_001407450.1); c.2292G>T, p.Lys764Asn (NM_001127511.3); c.2400G>T, p.Lys800Asn (NM_001354896.2, NM_001407447.1, NM_001407448.1 and 1 more transcripts); c.2376G>T, p.Lys792Asn (NM_001354897.2); c.2271G>T, p.Lys757Asn (NM_001354898.2); c.2262G>T, p.Lys754Asn (NM_001354899.2); c.2223G>T, p.Lys741Asn (NM_001354900.2); c.2169G>T, p.Lys723Asn (NM_001354901.2, NM_001407453.1); and 11 more; short protein forms K398N, K653N, K681N, K723N, K764N, K782N, K800N, K656N.
Identifiers: ClinVar variation 2751323 (VCV002751323.3), dbSNP rs1554084084, ClinGen allele CA16026483.